The following is an entry in ClinVar:

ClinVar aggregate classification (germline): Uncertain significance (1 of 4 stars; one submission).

Conditions:
Hypertrophic cardiomyopathy 26. Also called: Cardiomyopathy, familial hypertrophic, 26. Identifiers: Orphanet 75249, MedGen C4310749, MONDO:0014883, OMIM 617047.
Myofibrillar myopathy 5. Also called: Filaminopathy (type); FILAMINOPATHY, AUTOSOMAL DOMINANT. Identifiers: Orphanet 171445, MedGen C1836050, MONDO:0012289, OMIM 609524.
Distal myopathy with posterior leg and anterior hand involvement. Also called: WILLIAMS DISTAL MYOPATHY. Identifiers: Orphanet 63273, MedGen C3279722, MONDO:0013550, OMIM 614065.

Allele frequency attached by ClinVar (database versions not stated): gnomAD exomes below 0.00001; ExAC 0.00001.

Submission:

Labcorp Genetics (formerly Invitae), Labcorp
Classification: Uncertain significance for Distal myopathy with posterior leg and anterior hand involvement; Myofibrillar myopathy 5; Hypertrophic cardiomyopathy 26. Last evaluated: 2022-11-23. Review status: criteria provided, single submitter. Criteria: Invitae Variant Classification Sherloc (09022015). Collection method: clinical testing. Allele origin: germline.
Comment: In summary, the available evidence is currently insufficient to determine the role of this variant in disease. Therefore, it has been classified as a Variant of Uncertain Significance. Advanced modeling of protein sequence and biophysical properties (such as structural, functional, and spatial information, amino acid conservation, physicochemical variation, residue mobility, and thermodynamic stability) has been performed at Invitae for this missense variant, however the output from this modeling did not meet the statistical confidence thresholds required to predict the impact of this variant on FLNC protein function. This variant has not been reported in the literature in individuals affected with FLNC-related conditions. This variant is present in population databases (rs756982739, gnomAD 0.0009%). This sequence change replaces proline, which is neutral and non-polar, with leucine, which is neutral and non-polar, at codon 750 of the FLNC protein (p.Pro750Leu).

NM_001458.5(FLNC):c.2249C>T (p.Pro750Leu)

Gene: FLNC (filamin C; plus strand). Cytogenetic location: 7q32.1.
Variant type: single nucleotide variant.
Coding change: c.2249C>T on transcript NM_001458.5 (MANE Select); coding-DNA position 2249, C replaced by T.
Protein change: p.Pro750Leu; replaces proline 750 with leucine.
Molecular consequence: missense variant.
Genome position (GRCh38, 1-based): chr7:128,842,358, C>T. VCF-style: chr7-128842358-C-T. GRCh37 (hg19) VCF-style: chr7-128482412-C-T.
Other names: c.2249C>T, p.Pro750Leu (NM_001127487.2); short protein forms P750L.
Identifiers: ClinVar variation 2941708 (VCV002941708.3), dbSNP rs756982739, ClinGen allele CA4474652.